The following is an entry in ClinVar:

ClinVar aggregate classification (germline): Likely pathogenic (1 of 4 stars; one submission).

Conditions:
PURA-related severe neonatal hypotonia-seizures-encephalopathy syndrome (NEDRIHF). Also called: NEURODEVELOPMENTAL DISORDER WITH NEONATAL RESPIRATORY INSUFFICIENCY, HYPOTONIA, AND FEEDING DIFFICULTIES; PURA-Related Neurodevelopmental Disorders. Identifiers: Orphanet 438213, Orphanet 438216, MedGen C4015357, MONDO:1060108, OMIM 616158, MONDO:0018580.

Submission:

3billion
Classification: Likely pathogenic for PURA-related severe neonatal hypotonia-seizures-encephalopathy syndrome. Last evaluated: 2025-11-10. Review status: criteria provided, single submitter. Criteria: ACMG Guidelines, 2015. Collection method: clinical testing. Allele origin: germline. Affected: yes.
Comment: The variant is not observed in the gnomAD v4.1.0 dataset. Predicted Consequence/Location: Frameshift: predicted to result in a loss or disruption of normal protein function through protein truncation. Multiple pathogenic variants are reported in the predicted truncated region. Therefore, this variant is classified as Likely pathogenic according to the recommendation of ACMG/AMP guideline.

NM_005859.5(PURA):c.693del (p.Phe232fs)

Gene: PURA (purine rich element binding protein A; plus strand). Cytogenetic location: 5q31.3.
Variant type: Deletion.
Coding change: c.693del on transcript NM_005859.5 (MANE Select); coding-DNA position 693, one base deleted (C; older notation c.693delC).
Protein change: p.Phe232fs; shifts the reading frame from phenylalanine 232.
Molecular consequence: frameshift variant.
Genome position (GRCh38, 1-based): chr5:140,114,874, C deleted. VCF-style (leftmost placement, unchanged base first): chr5-140114873-TC-T. GRCh37 (hg19) VCF-style: chr5-139494458-TC-T.
Other names: short protein forms F232fs.
Identifiers: ClinVar variation 4854973 (VCV004854973.1).
Genomic context (GRCh38, chr5:140,114,873, plus strand): 5'-TGGAGGAGGAGCCGGCCGAGCTGCCCGAGGGCACCTCCTTGACTGTGGACAACAAGCGCT[TC>T]TTCTTCGATGTGGGCTCCAACAAGTACGGCGTGTTTATGCGAGTGAGCGAGGTGAAGCCC-3'